The following is an entry in ClinVar:

ClinVar aggregate classification (germline): Pathogenic (1 of 4 stars; one submission).

Conditions:
Polycystic kidney disease, adult type (PKD1). Also called: POLYCYSTIC KIDNEY DISEASE, ADULT, TYPE I; Polycystic Kidney Disease 1, Autosomal Dominant; Polycystic kidney disease 1; Polycystic kidney disease 1, severe; Polycystic Kidney, Autosomal Dominant; POLYCYSTIC KIDNEY DISEASE 1 WITH OR WITHOUT POLYCYSTIC LIVER DISEASE. Identifiers: MedGen C3149841, MONDO:0008263, OMIM 173900.

Submission:

Juno Genomics, Hangzhou Juno Genomics, Inc
Classification: Pathogenic for Polycystic kidney disease, adult type. Review status: criteria provided, single submitter. Criteria: ACMG Guidelines, 2015. Collection method: clinical testing. Allele origin: germline. Affected: yes.
Comment: Absent from controls (or at extremely low frequency if recessive) in Genome Aggregation Database, Exome Sequencing Project, 1000 Genomes Project, or Exome Aggregation Consortium.;Null variant in a gene where loss of function (LOF) is a known mechanism of disease.;Patient's phenotype or family history is highly specific for a disease with a single genetic etiology.

NM_001009944.3(PKD1):c.7340del (p.Thr2447fs)

Gene: PKD1 (polycystin 1, transient receptor potential channel interacting; minus strand). Cytogenetic location: 16p13.3.
Variant type: Deletion.
Coding change: c.7340del on transcript NM_001009944.3 (MANE Select); coding-DNA position 7340, one base deleted (C; older notation c.7340delC).
Protein change: p.Thr2447fs; shifts the reading frame from threonine 2447.
Molecular consequence: frameshift variant.
Genome position (GRCh38, 1-based): chr16:2,106,547, G deleted on the plus strand (C on the coding strand, the reverse complement: PKD1 is on the minus strand). VCF-style (leftmost placement, unchanged base first): chr16-2106546-CG-C. GRCh37 (hg19) VCF-style: chr16-2156547-CG-C.
Other names: c.7340del, p.Thr2447fs (NM_000296.4); short protein forms T2447fs.
Identifiers: ClinVar variation 3382466 (VCV003382466.2).
Genomic context (GRCh38, chr16:2,106,546, plus strand): 5'-GGGGGACAGGCGGATGGAGGCGCAGCCCTCCTCCTCGCCAGAGCGGCCCAGCACCGTGAG[CG>C]TGAAGGTGTATCCCTCGCCGTCCCGCAGCACGCCCCGCCGCAGCACCAGTCGCATGCCTG-3'